The following is an entry in ClinVar:

ClinVar aggregate classification (germline): Likely benign. Review status: criteria provided, multiple submitters, no conflicts (2 of 4 stars). 5 submissions from 5 submitters: Likely benign (5). Last evaluated 2025-12-08.

Conditions:
Hypertrophic cardiomyopathy 14. Identifiers: MedGen C2750467, MONDO:0013197, OMIM 613251.
MYH6-related disorder. Also called: MYH6-related condition; MYH6-Related Disorders.
Cardiovascular phenotype. Identifiers: MedGen CN230736.
Cardiomyopathy (CMYO). Also called: Cardiomyopathies. Identifiers: Orphanet 167848, MedGen C0878544, MONDO:0004994, HP:0001638. Inheritance: Various modes of inheritance.

Allele frequency attached by ClinVar (database versions not stated): gnomAD exomes below 0.00001; gnomAD 0.00001; TOPMed 0.00002.
gnomAD v4.1: 2 of 1,613,622 alleles (0.00012%); highest among the groups gnomAD compares: Admixed American, 0.0017%; no homozygotes.

Submissions (5):

PreventionGenetics, part of Exact Sciences
Classification: Likely benign for MYH6-related condition. Last evaluated: 2025-12-08. Review status: criteria provided, single submitter. Criteria: ACMG Guidelines, 2015. Collection method: clinical testing. Allele origin: germline.
Comment: This variant is classified as likely benign based on ACMG/AMP sequence variant interpretation guidelines (Richards et al. 2015 PMID: 25741868, with internal and published modifications).

Labcorp Genetics (formerly Invitae), Labcorp
Classification: Likely benign for Hypertrophic cardiomyopathy 14. Last evaluated: 2025-02-27. Review status: criteria provided, single submitter. Criteria: Invitae Variant Classification Sherloc (09022015). Collection method: clinical testing. Allele origin: germline.

Blueprint Genetics
Classification: Likely benign. Last evaluated: 2023-04-05. Review status: criteria provided, single submitter. Criteria: ACMG Guidelines, 2015. Collection method: clinical testing. Allele origin: germline.

Ambry Genetics
Classification: Likely benign for Cardiovascular phenotype. Last evaluated: 2023-01-12. Review status: criteria provided, single submitter. Criteria: Ambry Variant Classification Scheme 2023. Collection method: clinical testing. Allele origin: germline.

CHEO Genetics Diagnostic Laboratory, Children's Hospital of Eastern Ontario
Classification: Likely benign for Cardiomyopathy. Last evaluated: 2021-06-23. Review status: criteria provided, single submitter. Criteria: ACMG Guidelines, 2015. Collection method: clinical testing. Allele origin: germline.

NM_002471.4(MYH6):c.5445G>A (p.Gln1815=)

Gene: MYH6 (myosin heavy chain 6; minus strand). Cytogenetic location: 14q11.2.
Variant type: single nucleotide variant.
Coding change: c.5445G>A on transcript NM_002471.4 (MANE Select); coding-DNA position 5445, G replaced by A.
Protein change: p.Gln1815=; no amino-acid change (glutamine 1815 retained).
Molecular consequence: synonymous variant.
Genome position (GRCh38, 1-based): chr14:23,384,562, C>T on the plus strand (G>A on the coding strand, the complement: MYH6 is on the minus strand). VCF-style: chr14-23384562-C-T. GRCh37 (hg19) VCF-style: chr14-23853771-C-T.
Other names: c.5445G>A (NM_002471.3).
Identifiers: ClinVar variation 1137933 (VCV001137933.14), dbSNP rs979327556, ClinGen allele CA257776400.